The following is an entry in ClinVar:

NM_001754.5(RUNX1):c.315C>A (p.His105Gln)

Gene: RUNX1 (RUNX family transcription factor 1; minus strand). Cytogenetic location: 21q22.12.
Variant type: single nucleotide variant.
Coding change: c.315C>A on transcript NM_001754.5 (MANE Select); coding-DNA position 315, C replaced by A.
Protein change: p.His105Gln; replaces histidine 105 with glutamine.
Molecular consequence: missense variant.
Genome position (GRCh38, 1-based): chr21:34,886,879, G>T on the plus strand (C>A on the coding strand, the complement: RUNX1 is on the minus strand). VCF-style: chr21-34886879-G-T. GRCh37 (hg19) VCF-style: chr21-36259176-G-T.
Other names: NM_001754.5(RUNX1):c.315C>A; p.His105Gln; c.234C>A, p.His78Gln (NM_001001890.3, NM_001122607.2); short protein forms H105Q, H78Q.
Identifiers: ClinVar variation 666274 (VCV000666274.5), dbSNP rs1601528621, ClinGen allele CA410203511.

ClinVar aggregate classification (germline): Likely pathogenic (3 of 4 stars; one submission).

Conditions:
Hereditary thrombocytopenia and hematologic cancer predisposition syndrome. Identifiers: Orphanet 71290, MedGen CN281654, MONDO:0011071.

Submission:

ClinGen Myeloid Malignancy Variant Curation Expert Panel
Classification: Likely pathogenic for Hereditary thrombocytopenia and hematologic cancer predisposition syndrome. Last evaluated: 2026-10-02. Review status: reviewed by expert panel. Criteria: ClinGen MyeloMalig ACMG Specifications V3.1. Collection method: curation. Allele origin: germline. Inheritance: Autosomal dominant inheritance.
Comment: NM_001754.4:c.315C>A (p.His105Gln) is a missense variant which affects one of the amino acid residues (His105) within the RHD (amino acids 89-204; PM1_Supporting). This variant has a REVEL score ≥ 0.88 (0.90) (PP3) and is completely absent from all population databases with at least 20x coverage for RUNX1 (PM2_Supporting). A transactivation assay demonstrated reduced transactivation (<20% compared to WT) and data from secondary assays demonstrated altered DNA binding (PS3; PMID: 22318203, 25840971). In summary, this variant meets criteria to be classified as likely pathogenic. ACMG/AMP criteria applied, as specified by the Myeloid Malignancy Variant Curation Expert Panel for RUNX1: PM1_Supporting, PP3, PM2_Supporting, PS3.

Literature cited by the submitters: PubMed 22318203; PubMed 25840971.